The following is an entry in ClinVar:

NM_006996.3(SLC19A2):c.262G>A (p.Val88Met)

Gene: SLC19A2 (solute carrier family 19 member 2; minus strand). Cytogenetic location: 1q24.2.
Variant type: single nucleotide variant.
Coding change: c.262G>A on transcript NM_006996.3 (MANE Select); coding-DNA position 262, G replaced by A.
Protein change: p.Val88Met; replaces valine 88 with methionine.
Molecular consequence: missense variant. On other transcripts: intron variant (1).
Genome position (GRCh38, 1-based): chr1:169,477,700, C>T on the plus strand (G>A on the coding strand, the complement: SLC19A2 is on the minus strand). VCF-style: chr1-169477700-C-T. GRCh37 (hg19) VCF-style: chr1-169446938-C-T.
Other names: c.205-7514G>A (NM_001319667.1); short protein forms V88M.
Identifiers: ClinVar variation 1978443 (VCV001978443.2), dbSNP rs763545818, ClinGen allele CA1233099.
Genomic context (GRCh38, chr1:169,477,700, plus strand): 5'-GGCTGAGCCCCTGCAGTAGAACAACAGGTTTATAACGGAGGTAGTCTGTGGCAAGGAACA[C>T]AGGAAACAGTAGCACCAGGTAAGAGTAAGTCCATACTGGATAAATTTCATTGAAGACCTG-3'
Protein context (NP_008927.1, residues 78-98): TYSYLVLLFP[Val88Met]FLATDYLRYK

ClinVar aggregate classification (germline): Uncertain significance. Review status: criteria provided, multiple submitters, no conflicts (2 of 4 stars). 2 submissions from 2 submitters: Uncertain significance (2). Last evaluated 2022-11-08.

Conditions:
Inborn genetic diseases. Identifiers: MedGen C0950123, MeSH D030342.

Allele frequency attached by ClinVar (database versions not stated): gnomAD exomes 0.00001; ExAC 0.00002.
gnomAD v4.1: 8 of 1,612,418 alleles (0.0005%); highest among the groups gnomAD compares: South Asian, 0.0044%; no homozygotes.

Submissions (2):

Ambry Genetics
Classification: Uncertain significance for Inborn genetic diseases. Last evaluated: 2022-11-08. Review status: criteria provided, single submitter. Criteria: Ambry Variant Classification Scheme 2023. Collection method: clinical testing. Allele origin: germline.

Labcorp Genetics (formerly Invitae), Labcorp
Classification: Uncertain significance. Last evaluated: 2022-08-20. Review status: criteria provided, single submitter. Criteria: Invitae Variant Classification Sherloc (09022015). Collection method: clinical testing. Allele origin: germline.
Comment: This sequence change replaces valine, which is neutral and non-polar, with methionine, which is neutral and non-polar, at codon 88 of the SLC19A2 protein (p.Val88Met). This variant is present in population databases (rs763545818, gnomAD 0.003%). This variant has not been reported in the literature in individuals affected with SLC19A2-related conditions. Advanced modeling of protein sequence and biophysical properties (such as structural, functional, and spatial information, amino acid conservation, physicochemical variation, residue mobility, and thermodynamic stability) performed at Invitae indicates that this missense variant is expected to disrupt SLC19A2 protein function. In summary, the available evidence is currently insufficient to determine the role of this variant in disease. Therefore, it has been classified as a Variant of Uncertain Significance.